The following is an entry in ClinVar:

NR_104075.1(RNVU1-14):n.108T>G

Gene: RNVU1-14 (RNA, variant U1 small nuclear 14; plus strand). Cytogenetic location: 1q21.1.
Variant type: single nucleotide variant.
Molecular consequence: non-coding transcript variant (on NR_104075.1).
Genome position: GRCh38 VCF-style: chr1-145281223-T-G. GRCh37 (hg19) VCF-style: chr1-148241572-T-G.
Identifiers: ClinVar variation 3770174 (VCV003770174.1).

ClinVar aggregate classification (germline): Uncertain significance (1 of 4 stars; one submission).

Submission:

Institute for Human Genetics, University Hospital Essen
Classification: Uncertain significance. Last evaluated: 2005-03-05. Review status: criteria provided, single submitter. Criteria: ACMG Guidelines, 2015. Collection method: clinical testing. Allele origin: de novo. Affected: yes.
Comment: PM2_supp, PS2